The following is an entry in ClinVar:

NM_001144967.3(NEDD4L):c.545C>G (p.Ser182Trp)

Gene: NEDD4L (NEDD4 like E3 ubiquitin protein ligase; plus strand). Cytogenetic location: 18q21.31.
Variant type: single nucleotide variant.
Coding change: c.545C>G on transcript NM_001144967.3 (MANE Select); coding-DNA position 545, C replaced by G.
Protein change: p.Ser182Trp; replaces serine 182 with tryptophan.
Molecular consequence: missense variant.
Genome position (GRCh38, 1-based): chr18:58,325,027, C>G. VCF-style: chr18-58325027-C-G. GRCh37 (hg19) VCF-style: chr18-55992259-C-G.
Other names: c.182C>G, p.Ser61Trp (NM_001144964.1, NM_001144965.2, NM_001144966.3 and 2 more transcripts); c.521C>G, p.Ser174Trp (NM_001144968.2, NM_001144969.2); c.545C>G, p.Ser182Trp (NM_001243960.2, NM_015277.6); short protein forms S174W, S182W, S61W.
Identifiers: ClinVar variation 3613156 (VCV003613156.2).
Genomic context (GRCh38, chr18:58,325,027, plus strand): 5'-ATAATCGTCCCTTTAACTTTATTCCGCAGCATGGATGGGAAGTTGTTGACTCAAATGACT[C>G]GGCTTCTCAGCACCAAGAGGAACTTCCTCCTCCTCCTCTGCCTCCCGGGTGGGAAGAAAA-3'
Protein context (NP_001138439.1, residues 172-192): HGWEVVDSND[Ser182Trp]ASQHQEELPP

ClinVar aggregate classification (germline): Uncertain significance (1 of 4 stars; one submission).

gnomAD v4.1: 6 of 1,613,772 alleles (0.00037%); highest among the groups gnomAD compares: African/African-American, 0.0013%; no homozygotes.

Submission:

Labcorp Genetics (formerly Invitae), Labcorp
Classification: Uncertain significance. Last evaluated: 2024-11-04. Review status: criteria provided, single submitter. Criteria: Invitae Variant Classification Sherloc (09022015). Collection method: clinical testing. Allele origin: germline.
Comment: This sequence change replaces serine, which is neutral and polar, with tryptophan, which is neutral and slightly polar, at codon 182 of the NEDD4L protein (p.Ser182Trp). This variant is not present in population databases (gnomAD no frequency). This variant has not been reported in the literature in individuals affected with NEDD4L-related conditions. Invitae Evidence Modeling of protein sequence and biophysical properties (such as structural, functional, and spatial information, amino acid conservation, physicochemical variation, residue mobility, and thermodynamic stability) indicates that this missense variant is not expected to disrupt NEDD4L protein function with a negative predictive value of 80%. In summary, the available evidence is currently insufficient to determine the role of this variant in disease. Therefore, it has been classified as a Variant of Uncertain Significance.